The following is an entry in ClinVar:

NM_000492.4(CFTR):c.2293A>G (p.Arg765Gly)

Gene: CFTR (CF transmembrane conductance regulator; plus strand). Cytogenetic location: 7q31.2.
Variant type: single nucleotide variant.
Coding change: c.2293A>G on transcript NM_000492.4 (MANE Select); coding-DNA position 2293, A replaced by G.
Protein change: p.Arg765Gly; replaces arginine 765 with glycine.
Molecular consequence: missense variant.
Genome position (GRCh38, 1-based): chr7:117,592,460, A>G. VCF-style: chr7-117592460-A-G. GRCh37 (hg19) VCF-style: chr7-117232514-A-G.
Other names: short protein forms R765G.
Identifiers: ClinVar variation 1789136 (VCV001789136.2), dbSNP rs2485110467, ClinGen allele CA368980876.

ClinVar aggregate classification (germline): Uncertain significance (1 of 4 stars; one submission).

Conditions:
Cystic fibrosis (CF). Also called: MUCOVISCIDOSIS. Identifiers: Orphanet 586, MedGen C0010674, MONDO:0009061, OMIM 219700. Disease mechanism: loss of function.

Submission:

Ambry Genetics
Classification: Uncertain significance for Cystic fibrosis. Last evaluated: 2018-05-14. Review status: criteria provided, single submitter. Criteria: Ambry Variant Classification Scheme 2023. Collection method: clinical testing. Allele origin: germline.
Comment: The p.R765G variant (also known as c.2293A>G), located in coding exon 14 of the CFTR gene, results from an A to G substitution at nucleotide position 2293. The arginine at codon 765 is replaced by glycine, an amino acid with dissimilar properties. This amino acid position is highly conserved in available vertebrate species. In addition, this alteration is predicted to be deleterious by in silico analysis. Since supporting evidence is limited at this time, the clinical significance of this alteration remains unclear.